The following is an entry in ClinVar:

NM_017999.5(RNF31):c.3109C>T (p.Arg1037Cys)

Gene: RNF31 (ring finger protein 31; plus strand). Cytogenetic location: 14q12.
Variant type: single nucleotide variant.
Coding change: c.3109C>T on transcript NM_017999.5 (MANE Select); coding-DNA position 3109, C replaced by T.
Protein change: p.Arg1037Cys; replaces arginine 1037 with cysteine.
Molecular consequence: missense variant.
Genome position (GRCh38, 1-based): chr14:24,160,351, C>T. VCF-style: chr14-24160351-C-T. GRCh37 (hg19) VCF-style: chr14-24629560-C-T.
Other names: c.2656C>T, p.Arg886Cys (NM_001310332.2); c.3109C>T (NM_017999.4); short protein forms R1037C, R886C.
Identifiers: ClinVar variation 1482655 (VCV001482655.9), dbSNP rs201477229, ClinGen allele CA7126271.

ClinVar aggregate classification (germline): Uncertain significance. Review status: criteria provided, multiple submitters, no conflicts (2 of 4 stars). 2 submissions from 2 submitters: Uncertain significance (2). Last evaluated 2026-01-05.

Allele frequency attached by ClinVar (database versions not stated): gnomAD exomes 0.00003; gnomAD 0.00005; TOPMed 0.00006; ESP Exome Variant Server 0.00008; ExAC 0.00015.

Submissions (2):

Labcorp Genetics (formerly Invitae), Labcorp
Classification: Uncertain significance. Last evaluated: 2026-01-05. Review status: criteria provided, single submitter. Criteria: Invitae Variant Classification Sherloc (09022015). Collection method: clinical testing. Allele origin: germline.
Comment: This sequence change replaces arginine, which is basic and polar, with cysteine, which is neutral and slightly polar, at codon 1037 of the RNF31 protein (p.Arg1037Cys). This variant is present in population databases (rs201477229, gnomAD 0.08%), and has an allele count higher than expected for a pathogenic variant. This variant has not been reported in the literature in individuals affected with RNF31-related conditions. ClinVar contains an entry for this variant (Variation ID: 1482655). An algorithm developed to predict the effect of missense changes on protein structure and function (PolyPhen-2) suggests that this variant is likely to be tolerated. In summary, the available evidence is currently insufficient to determine the role of this variant in disease. Therefore, it has been classified as a Variant of Uncertain Significance.

Ambry Genetics
Classification: Uncertain significance. Last evaluated: 2024-02-28. Review status: criteria provided, single submitter. Criteria: Ambry Variant Classification Scheme 2023. Collection method: clinical testing. Allele origin: germline.